The following is an entry in ClinVar:

ClinVar aggregate classification (germline): Uncertain significance. Review status: criteria provided, multiple submitters, no conflicts (2 of 4 stars). 4 submissions from 4 submitters: Uncertain significance (4). Last evaluated 2025-11-08.

Conditions:
Inborn genetic diseases. Identifiers: MedGen C0950123, MeSH D030342.
CEP164-related disorder. Also called: CEP164-related condition.
Nephronophthisis 15 (NPHP15). Identifiers: Orphanet 3156, MedGen C3541853, MONDO:0013917, OMIM 614845.

Allele frequency attached by ClinVar (database versions not stated): gnomAD 0.00001 and 0.00002; ExAC 0.00002; gnomAD exomes 0.00002; TOPMed 0.00004; ESP Exome Variant Server 0.00008; 1000 Genomes Project 0.00020; 1000 Genomes Project 30x 0.00031.
gnomAD v4.1: 38 of 1,606,030 alleles (0.0024%); highest among the groups gnomAD compares: African/African-American, 0.008%; no homozygotes.

Submissions (4):

PreventionGenetics, part of Exact Sciences
Classification: Uncertain significance for CEP164-related condition. Last evaluated: 2025-11-08. Review status: criteria provided, single submitter. Criteria: ACMG Guidelines, 2015. Collection method: clinical testing. Allele origin: germline.
Comment: The CEP164 c.2294C>T variant is predicted to result in the amino acid substitution p.Thr765Met. To our knowledge, this variant has not been reported in the literature. This variant is reported in 0.0062% of alleles in individuals of African descent in gnomAD. At this time, the clinical significance of this variant is uncertain due to the absence of conclusive functional and genetic evidence.

Ambry Genetics
Classification: Uncertain significance for Inborn genetic diseases. Last evaluated: 2025-08-11. Review status: criteria provided, single submitter. Criteria: Ambry Variant Classification Scheme 2023. Collection method: clinical testing. Allele origin: germline.

Labcorp Genetics (formerly Invitae), Labcorp
Classification: Uncertain significance for Nephronophthisis 15. Last evaluated: 2025-03-27. Review status: criteria provided, single submitter. Criteria: Invitae Variant Classification Sherloc (09022015). Collection method: clinical testing. Allele origin: germline.
Comment: This sequence change replaces threonine, which is neutral and polar, with methionine, which is neutral and non-polar, at codon 765 of the CEP164 protein (p.Thr765Met). This variant is present in population databases (rs140009020, gnomAD 0.007%). This variant has not been reported in the literature in individuals affected with CEP164-related conditions. ClinVar contains an entry for this variant (Variation ID: 968982). Invitae Evidence Modeling of protein sequence and biophysical properties (such as structural, functional, and spatial information, amino acid conservation, physicochemical variation, residue mobility, and thermodynamic stability) indicates that this missense variant is not expected to disrupt CEP164 protein function with a negative predictive value of 80%. In summary, the available evidence is currently insufficient to determine the role of this variant in disease. Therefore, it has been classified as a Variant of Uncertain Significance.

Fulgent Genetics
Classification: Uncertain significance for Nephronophthisis 15. Last evaluated: 2024-01-20. Review status: criteria provided, single submitter. Criteria: ACMG Guidelines, 2015. Collection method: clinical testing. Allele origin: germline.

NM_014956.5(CEP164):c.2294C>T (p.Thr765Met)

Gene: CEP164 (centrosomal protein 164; plus strand). Cytogenetic location: 11q23.3.
Variant type: single nucleotide variant.
Coding change: c.2294C>T on transcript NM_014956.5 (MANE Select); coding-DNA position 2294, C replaced by T.
Protein change: p.Thr765Met; replaces threonine 765 with methionine.
Molecular consequence: missense variant.
Genome position (GRCh38, 1-based): chr11:117,392,236, C>T. VCF-style: chr11-117392236-C-T. GRCh37 (hg19) VCF-style: chr11-117262952-C-T.
Other names: c.2303C>T, p.Thr768Met (NM_001271933.2); short protein forms T768M, T765M.
Identifiers: ClinVar variation 968982 (VCV000968982.12), dbSNP rs140009020, ClinGen allele CA6295020.